The following is an entry in ClinVar:

ClinVar aggregate classification (germline): Benign/Likely benign. Review status: criteria provided, multiple submitters, no conflicts (2 of 4 stars). 6 submissions from 6 submitters: Benign (4); Likely benign (2). Last evaluated 2026-01-28.

Conditions:
Marinesco-Sjögren syndrome (MSS). Also called: Marinesco-SjÃ¶gren syndrome; Marinesco-Sjogren Syndrome. Identifiers: Orphanet 559, MedGen C0024814, MONDO:0009567, OMIM 248800.

Allele frequency attached by ClinVar (database versions not stated): gnomAD exomes 0.00092 and 0.00207; ExAC 0.00259; gnomAD 0.00674 and 0.00706; TOPMed 0.00748; ESP Exome Variant Server 0.00830; 1000 Genomes Project 0.00899; 1000 Genomes Project 30x 0.00921.
gnomAD v4.1: 2,424 of 1,614,084 alleles (0.15%); highest among the groups gnomAD compares: African/African-American, 2.2%; 23 homozygotes.

Submissions (6):

Labcorp Genetics (formerly Invitae), Labcorp
Classification: Benign for Marinesco-Sjögren syndrome. Last evaluated: 2026-01-28. Review status: criteria provided, single submitter. Criteria: Invitae Variant Classification Sherloc (09022015). Collection method: clinical testing. Allele origin: germline.

Illumina Laboratory Services, Illumina
Classification: Benign for Marinesco-Sjögren syndrome. Last evaluated: 2018-01-13. Review status: criteria provided, single submitter. Criteria: ICSL Variant Classification Criteria 13 December 2019. Collection method: clinical testing. Allele origin: germline.
Comment: This variant was observed in the ICSL laboratory as part of a predisposition screen in an ostensibly healthy population. It had not been previously curated by ICSL or reported in the Human Gene Mutation Database (HGMD: prior to June 1st, 2018), and was therefore a candidate for classification through an automated scoring system. Utilizing variant allele frequency, disease prevalence and penetrance estimates, and inheritance mode, an automated score was calculated to assess if this variant is too frequent to cause the disease. Based on the score and internal cut-off values, a variant classified as benign is not then subjected to further curation. The score for this variant resulted in a classification of benign for this disease.

Athena Diagnostics
Classification: Benign. Last evaluated: 2017-10-18. Review status: criteria provided, single submitter. Criteria: Athena Diagnostics Criteria. Collection method: clinical testing. Allele origin: germline.

GeneDx
Classification: Benign. Last evaluated: 2017-05-03. Review status: criteria provided, single submitter. Criteria: GeneDx Variant Classification (06012015). Collection method: clinical testing. Allele origin: germline. Affected: yes.
Comment: This variant is considered likely benign or benign based on one or more of the following criteria: it is a conservative change, it occurs at a poorly conserved position in the protein, it is predicted to be benign by multiple in silico algorithms, and/or has population frequency not consistent with disease.

Center for Pediatric Genomic Medicine, Children's Mercy Hospital and Clinics
Classification: Likely benign. Last evaluated: 2017-01-02. Review status: criteria provided, single submitter. Criteria: ACMG Guidelines, 2015. Collection method: clinical testing. Allele origin: germline.
ClinVar note: Converted during submission from Likely Benign to Likely benign.

Breakthrough Genomics
Classification: Likely benign. Review status: criteria provided, single submitter. Criteria: ACMG Guidelines, 2015. Collection method: not provided. Allele origin: germline. Inheritance: Autosomal recessive inheritance. Affected: yes.

NM_022464.5(SIL1):c.239A>G (p.Gln80Arg)

Gene: SIL1 (SIL1 nucleotide exchange factor; minus strand). Cytogenetic location: 5q31.2.
Variant type: single nucleotide variant.
Coding change: c.239A>G on transcript NM_022464.5 (MANE Select); coding-DNA position 239, A replaced by G.
Protein change: p.Gln80Arg; replaces glutamine 80 with arginine.
Molecular consequence: missense variant.
Genome position (GRCh38, 1-based): chr5:139,121,040, T>C on the plus strand (A>G on the coding strand, the complement: SIL1 is on the minus strand). VCF-style: chr5-139121040-T-C. GRCh37 (hg19) VCF-style: chr5-138456729-T-C.
Other names: c.239A>G, p.Gln80Arg (NM_001037633.2); short protein forms Q80R.
Identifiers: ClinVar variation 351097 (VCV000351097.17), dbSNP rs35581768, ClinGen allele CA3432650.